The following is an entry in ClinVar:

NM_000363.5(TNNI3):c.22G>A (p.Ala8Thr)

Gene: TNNI3 (troponin I3, cardiac type; minus strand). Cytogenetic location: 19q13.42.
Variant type: single nucleotide variant.
Coding change: c.22G>A on transcript NM_000363.5 (MANE Select); coding-DNA position 22, G replaced by A.
Protein change: p.Ala8Thr; replaces alanine 8 with threonine.
Molecular consequence: missense variant.
Genome position (GRCh38, 1-based): chr19:55,157,298, C>T on the plus strand (G>A on the coding strand, the complement: TNNI3 is on the minus strand). VCF-style: chr19-55157298-C-T. GRCh37 (hg19) VCF-style: chr19-55668666-C-T.
Other names: short protein forms A8T.
Identifiers: ClinVar variation 4615117 (VCV004615117.1).

ClinVar aggregate classification (germline): Uncertain significance (1 of 4 stars; one submission).

Conditions:
Cardiovascular phenotype. Identifiers: MedGen CN230736.

Submission:

Ambry Genetics
Classification: Uncertain significance for Cardiovascular phenotype. Last evaluated: 2025-11-10. Review status: criteria provided, single submitter. Criteria: Ambry Variant Classification Scheme 2023. Collection method: clinical testing. Allele origin: germline.
Comment: The p.A8T variant (also known as c.22G>A), located in coding exon 2 of the TNNI3 gene, results from a G to A substitution at nucleotide position 22. The alanine at codon 8 is replaced by threonine, an amino acid with similar properties. This amino acid position is conserved. In addition, this alteration is predicted to be tolerated by in silico analysis. Based on the available evidence, the clinical significance of this variant remains unclear.